The following is an entry in ClinVar:

ClinVar aggregate classification (germline): Uncertain significance (1 of 4 stars; one submission).

Submission:

CeGaT Center for Human Genetics Tuebingen
Classification: Uncertain significance. Last evaluated: 2023-10-01. Review status: criteria provided, single submitter. Criteria: CeGaT Center For Human Genetics Tuebingen Variant Classification Criteria Version 2. Collection method: clinical testing. Allele origin: germline. Affected: yes. Observed: 1 variant allele.
Comment: POLR2A: PM2, PM4:Supporting

NM_000937.5(POLR2A):c.3386_3388del (p.Asn1129del)

Gene: POLR2A (RNA polymerase II subunit A; plus strand). Cytogenetic location: 17p13.1.
Variant type: Deletion.
Coding change: c.3386_3388del on transcript NM_000937.5 (MANE Select); coding-DNA positions 3386 to 3388, 3 bases deleted (ACA; older notation c.3386_3388delACA).
Protein change: p.Asn1129del; deletes asparagine 1129.
Molecular consequence: inframe deletion.
Genome position (GRCh38, 1-based): chr17:7,508,396-7,508,398, ACA deleted; deleting any 3 consecutive bases within chr17:7,508,394-7,508,398 gives the same sequence; the c. name uses the placement nearest the transcript's 3' end. VCF-style (leftmost placement, unchanged base first): chr17-7508393-TCAA-T. GRCh37 (hg19) VCF-style: chr17-7411712-TCAA-T.
Other names: short protein forms N1129del.
Identifiers: ClinVar variation 2647353 (VCV002647353.24), dbSNP rs2508170306, ClinGen allele CA2695201231.